The following is an entry in ClinVar:

ClinVar aggregate classification (germline): Conflicting classifications of pathogenicity. Review status: criteria provided, conflicting classifications (1 of 4 stars). 3 submissions from 3 submitters: Likely pathogenic (1); Uncertain significance (2). Last evaluated 2024-06-25.

Conditions:
Fanconi anemia (FA). Also called: Fanconi's anemia. Identifiers: Orphanet 84, MedGen C0015625, MeSH D005199, MONDO:0019391.

Allele frequency attached by ClinVar (database versions not stated): gnomAD exomes 0.00001; TOPMed 0.00001.
gnomAD v4.1: 12 of 1,612,650 alleles (0.00074%); highest among the groups gnomAD compares: African/African-American, 0.0027%; no homozygotes.

Submissions (3):

Blueprint Genetics
Classification: Uncertain significance. Last evaluated: 2024-06-25. Review status: criteria provided, single submitter. Criteria: ACMG Guidelines, 2015. Collection method: clinical testing. Allele origin: germline.

Labcorp Genetics (formerly Invitae), Labcorp
Classification: Likely pathogenic for Fanconi anemia. Last evaluated: 2023-11-05. Review status: criteria provided, single submitter. Criteria: Invitae Variant Classification Sherloc (09022015). Collection method: clinical testing. Allele origin: germline.
Comment: This sequence change affects an acceptor splice site in intron 35 of the FANCI gene. It is expected to disrupt RNA splicing. Variants that disrupt the donor or acceptor splice site typically lead to a loss of protein function (PMID: 16199547), and loss-of-function variants in FANCI are known to be pathogenic (PMID: 17452773, 17460694). This variant is present in population databases (no rsID available, gnomAD 0.002%). This variant has not been reported in the literature in individuals affected with FANCI-related conditions. ClinVar contains an entry for this variant (Variation ID: 1298634). Algorithms developed to predict the effect of sequence changes on RNA splicing suggest that this variant may disrupt the consensus splice site. In summary, the currently available evidence indicates that the variant is pathogenic, but additional data are needed to prove that conclusively. Therefore, this variant has been classified as Likely Pathogenic.

CeGaT Center for Human Genetics Tuebingen
Classification: Uncertain significance. Last evaluated: 2021-09-01. Review status: criteria provided, single submitter. Criteria: CeGaT Center For Human Genetics Tuebingen Variant Classification Criteria Version 2. Collection method: clinical testing. Allele origin: germline. Affected: yes. Observed: 1 variant allele.

Literature cited by the submitters: PubMed 16199547 (cited by Labcorp Genetics (formerly Invitae), Labcorp); PubMed 17452773 (cited by Labcorp Genetics (formerly Invitae), Labcorp); PubMed 17460694 (cited by Labcorp Genetics (formerly Invitae), Labcorp).

NM_001113378.2(FANCI):c.3721-1G>C

Gene: FANCI (FA complementation group I; plus strand). Cytogenetic location: 15q26.1.
Variant type: single nucleotide variant.
Coding change: c.3721-1G>C on transcript NM_001113378.2 (MANE Select); the canonical splice acceptor site of the intron before coding-DNA position 3721, G replaced by C.
Molecular consequence: splice acceptor variant.
Genome position (GRCh38, 1-based): chr15:89,314,611, G>C. VCF-style: chr15-89314611-G-C. GRCh37 (hg19) VCF-style: chr15-89857842-G-C.
Other names: c.3541-1G>C (NM_018193.3); c.3721-1G>C (NM_001376911.1); c.3442-1G>C (NM_001376910.1).
Identifiers: ClinVar variation 1298634 (VCV001298634.39), dbSNP rs1173483373, ClinGen allele CA393743826.